The following is an entry in ClinVar:

ClinVar aggregate classification (germline): Uncertain significance. Review status: criteria provided, multiple submitters, no conflicts (2 of 4 stars). 2 submissions from 2 submitters: Uncertain significance (2). Last evaluated 2025-06-22.

Allele frequency attached by ClinVar (database versions not stated): gnomAD 0.00002; ExAC 0.00003; TOPMed 0.00006; 1000 Genomes Project 30x 0.00016; 1000 Genomes Project 0.00020.
gnomAD v4.1: 27 of 1,613,800 alleles (0.0017%); highest among the groups gnomAD compares: Admixed American, 0.018%; no homozygotes.

Submissions (2):

Ambry Genetics
Classification: Uncertain significance. Last evaluated: 2025-06-22. Review status: criteria provided, single submitter. Criteria: Ambry Variant Classification Scheme 2023. Collection method: clinical testing. Allele origin: germline.

Labcorp Genetics (formerly Invitae), Labcorp
Classification: Uncertain significance. Last evaluated: 2024-09-06. Review status: criteria provided, single submitter. Criteria: Invitae Variant Classification Sherloc (09022015). Collection method: clinical testing. Allele origin: germline.
Comment: This sequence change replaces threonine, which is neutral and polar, with methionine, which is neutral and non-polar, at codon 488 of the PITRM1 protein (p.Thr488Met). This variant is present in population databases (rs546803161, gnomAD 0.03%). This variant has not been reported in the literature in individuals affected with PITRM1-related conditions. ClinVar contains an entry for this variant (Variation ID: 1900146). An algorithm developed to predict the effect of missense changes on protein structure and function (PolyPhen-2) suggests that this variant is likely to be tolerated. In summary, the available evidence is currently insufficient to determine the role of this variant in disease. Therefore, it has been classified as a Variant of Uncertain Significance.

NM_014889.4(PITRM1):c.1559C>T (p.Thr520Met)

Gene: PITRM1 (pitrilysin metallopeptidase 1; minus strand). Cytogenetic location: 10p15.2.
Variant type: single nucleotide variant.
Coding change: c.1559C>T on transcript NM_014889.4 (MANE Select); coding-DNA position 1559, C replaced by T.
Protein change: p.Thr520Met; replaces threonine 520 with methionine.
Molecular consequence: missense variant. On other transcripts: non-coding transcript variant (4).
Genome position (GRCh38, 1-based): chr10:3,155,653, G>A on the plus strand (C>T on the coding strand, the complement: PITRM1 is on the minus strand). VCF-style: chr10-3155653-G-A. GRCh37 (hg19) VCF-style: chr10-3197845-G-A.
Other names: c.1559C>T, p.Thr520Met (NM_001242307.2, NM_001347725.2); c.1463C>T, p.Thr488Met (NM_001242309.1); c.944C>T, p.Thr315Met (NM_001347726.2, NM_001347727.2); c.254C>T, p.Thr85Met (NM_001347728.2); c.1535C>T, p.Thr512Met (NM_001347729.1, NM_001347730.1); c.1559C>T (NM_001242307.1); short protein forms T315M, T512M, T85M, T520M, T488M.
Identifiers: ClinVar variation 1900146 (VCV001900146.6), dbSNP rs546803161, ClinGen allele CA5387792.